The following is an entry in ClinVar:

ClinVar aggregate classification (germline): Uncertain significance (1 of 4 stars; one submission).

Allele frequency attached by ClinVar (database versions not stated): gnomAD 0.00001; TOPMed 0.00001; gnomAD exomes 0.00002.
gnomAD v4.1: 31 of 1,612,390 alleles (0.0019%); highest among the groups gnomAD compares: Middle Eastern, 0.033%; no homozygotes.

Submission:

Labcorp Genetics (formerly Invitae), Labcorp
Classification: Uncertain significance. Last evaluated: 2023-12-21. Review status: criteria provided, single submitter. Criteria: Invitae Variant Classification Sherloc (09022015). Collection method: clinical testing. Allele origin: germline.
Comment: This sequence change replaces asparagine, which is neutral and polar, with tyrosine, which is neutral and polar, at codon 2167 of the DCHS1 protein (p.Asn2167Tyr). This variant is present in population databases (no rsID available, gnomAD 0.003%). This variant has not been reported in the literature in individuals affected with DCHS1-related conditions. ClinVar contains an entry for this variant (Variation ID: 1419969). Advanced modeling of protein sequence and biophysical properties (such as structural, functional, and spatial information, amino acid conservation, physicochemical variation, residue mobility, and thermodynamic stability) performed at Invitae indicates that this missense variant is not expected to disrupt DCHS1 protein function with a negative predictive value of 80%. In summary, the available evidence is currently insufficient to determine the role of this variant in disease. Therefore, it has been classified as a Variant of Uncertain Significance.

NM_003737.4(DCHS1):c.6499A>T (p.Asn2167Tyr)

Gene: DCHS1 (dachsous cadherin-related 1; minus strand). Cytogenetic location: 11p15.4.
Variant type: single nucleotide variant.
Coding change: c.6499A>T on transcript NM_003737.4 (MANE Select); coding-DNA position 6499, A replaced by T.
Protein change: p.Asn2167Tyr; replaces asparagine 2167 with tyrosine.
Molecular consequence: missense variant.
Genome position (GRCh38, 1-based): chr11:6,626,246, T>A on the plus strand (A>T on the coding strand, the complement: DCHS1 is on the minus strand). VCF-style: chr11-6626246-T-A. GRCh37 (hg19) VCF-style: chr11-6647477-T-A.
Other names: short protein forms N2167Y.
Identifiers: ClinVar variation 1419969 (VCV001419969.4), dbSNP rs1355572206, ClinGen allele CA379387996.
Genomic context (GRCh38, chr11:6,626,246, plus strand): 5'-CCAAGGGCCGGGACTCAGGAAGGAAGGCCACATAATGGGGCCGCAGGAAACGGGGAGCAT[T>A]GTCGTTGGCATCTTGCAGGGTCAGGGTCAGCACAGTGAAGGCAAAGGCTCCTCCACTCTC-3'
Protein context (NP_003728.1, residues 2157-2177): LTLTLQDAND[Asn2167Tyr]APRFLRPHYV